The following is an entry in ClinVar:

NM_004360.5(CDH1):c.771_772dup (p.Asn258fs)

Gene: CDH1 (cadherin 1; plus strand). Cytogenetic location: 16q22.1.
Variant type: Duplication.
Coding change: c.771_772dup on transcript NM_004360.5 (MANE Select); coding-DNA positions 771 to 772, 2 bases duplicated (CA; older notation c.771_772dupCA).
Protein change: p.Asn258fs; shifts the reading frame from asparagine 258.
Molecular consequence: frameshift variant. On other transcripts: 5 prime UTR variant (2).
Genome position (GRCh38, 1-based): chr16:68,810,280-68,810,281, CA duplicated; duplicating any 2 consecutive bases within chr16:68,810,279-68,810,281 gives the same sequence; the c. name uses the placement nearest the transcript's 3' end. VCF-style (leftmost placement, unchanged base first): chr16-68810278-G-GAC. GRCh37 (hg19) VCF-style: chr16-68844181-G-GAC.
Other names: c.771_772dup, p.Asn258fs (NM_001317184.2); c.-845_-844dup (NM_001317185.2); c.-1049_-1048dup (NM_001317186.2); short protein forms N258fs.
Identifiers: ClinVar variation 3727049 (VCV003727049.2).

ClinVar aggregate classification (germline): Pathogenic (1 of 4 stars; one submission).

Conditions:
Hereditary diffuse gastric adenocarcinoma (HDGC). Also called: DIFFUSE GASTRIC AND LOBULAR BREAST CANCER SYNDROME. Identifiers: Orphanet 26106, MedGen C1708349, MONDO:0007648, OMIM 137215.

Submission:

Labcorp Genetics (formerly Invitae), Labcorp
Classification: Pathogenic for Hereditary diffuse gastric adenocarcinoma. Last evaluated: 2024-12-11. Review status: criteria provided, single submitter. Criteria: Invitae Variant Classification Sherloc (09022015). Collection method: clinical testing. Allele origin: germline.
Comment: This sequence change creates a premature translational stop signal (p.Asn258Thrfs*25) in the CDH1 gene. It is expected to result in an absent or disrupted protein product. Loss-of-function variants in CDH1 are known to be pathogenic (PMID: 15235021, 20373070). This variant is not present in population databases (gnomAD no frequency). This variant has not been reported in the literature in individuals affected with CDH1-related conditions. Algorithms developed to predict the effect of sequence changes on RNA splicing suggest that this variant may disrupt the consensus splice site. For these reasons, this variant has been classified as Pathogenic.

Literature cited by the submitters: PubMed 15235021; PubMed 20373070.